The following is an entry in ClinVar:

ClinVar aggregate classification (germline): Uncertain significance (1 of 4 stars; one submission).

Submission:

GeneDx
Classification: Uncertain significance. Last evaluated: 2026-10-09. Review status: criteria provided, single submitter. Criteria: GeneDx Variant Classification Process June 2021. Collection method: clinical testing. Allele origin: germline.
Comment: Not observed at significant frequency in large population cohorts (gnomAD); In silico analysis suggests that this missense variant does not alter protein structure/function; Has not been previously published as pathogenic or benign to our knowledge; This substitution is predicted to be within the transmembrane segment S5 of the second homologous domain

NM_001330260.2(SCN8A):c.2650A>G (p.Ile884Val)

Gene: SCN8A (sodium voltage-gated channel alpha subunit 8; plus strand). Cytogenetic location: 12q13.13.
Variant type: single nucleotide variant.
Coding change: c.2650A>G on transcript NM_001330260.2 (MANE Select); coding-DNA position 2650, A replaced by G.
Protein change: p.Ile884Val; replaces isoleucine 884 with valine.
Molecular consequence: missense variant.
Genome position (GRCh38, 1-based): chr12:51,765,776, A>G. VCF-style: chr12-51765776-A-G. GRCh37 (hg19) VCF-style: chr12-52159560-A-G.
Other names: c.2650A>G, p.Ile884Val (NM_001177984.3, NM_001369788.1, NM_014191.4); c.2650A>G (NM_001330260.1); short protein forms I884V.
Identifiers: ClinVar variation 3383811 (VCV003383811.2).
Genomic context (GRCh38, chr12:51,765,776, plus strand): 5'-CTAATCAAGATTATTGGAAATTCAGTGGGTGCCCTGGGCAACCTGACACTGGTGCTGGCC[A>G]TTATTGTCTTCATCTTTGCCGTGGTGGGGATGCAACTCTTTGGAAAAAGCTACAAAGAGT-3'
Protein context (NP_001317189.1, residues 874-894): ALGNLTLVLA[Ile884Val]IVFIFAVVGM